The following is an entry in ClinVar:

NC_000001.11:g.(?_161340584)_(161340665_?)dup

Gene: SDHC (succinate dehydrogenase complex subunit C; plus strand). Cytogenetic location: 1q23.3.
Variant type: Duplication.
Identifiers: ClinVar variation 830390 (VCV000830390.17).

ClinVar aggregate classification (germline): Likely pathogenic (1 of 4 stars; one submission).

Conditions:
Pheochromocytoma/paraganglioma syndrome 3. Also called: GLOMUS TUMORS, FAMILIAL, 3; Paragangliomas 3; SDHC-Related Hereditary Paraganglioma-Pheochromocytoma Syndrome (Paragangliomas 3); SDHC-Related Hereditary Paraganglioma-Pheochromocytoma Syndrome. Identifiers: Orphanet 29072, MedGen C1854336, MONDO:0011544, OMIM 605373.
Gastrointestinal stromal tumor. Also called: Gastrointestinal stromal tumor, somatic; Gastrointestinal stroma tumor. Identifiers: Orphanet 44890, MedGen C0238198, MeSH D046152, MONDO:0011719, OMIM 606764, HP:0100723.

Submission:

Labcorp Genetics (formerly Invitae), Labcorp
Classification: Likely pathogenic for Pheochromocytoma/paraganglioma syndrome 3; Gastrointestinal stromal tumor. Last evaluated: 2022-10-03. Review status: criteria provided, single submitter. Criteria: Invitae Variant Classification Sherloc (09022015). Collection method: clinical testing. Allele origin: germline.
Comment: In summary, the currently available evidence indicates that the variant is pathogenic, but additional data are needed to prove that conclusively. Therefore, this variant has been classified as Likely Pathogenic. This variant has not been reported in the literature in individuals affected with SDHC-related conditions. This variant results in a copy number gain of the genomic region encompassing exon(s) 4 of the SDHC gene. While the exact position of this variant cannot be determined from the data, sub-genic copy number gains are generally in tandem (PMID: 25640679). This variant is predicted to be out-of-frame, and may result in an absent or disrupted protein product. Loss-of-function variants in SDHC are known to be pathogenic (PMID: 17667967, 19454582, 23282968, 24758179).

Literature cited by the submitters: PubMed 25640679; PubMed 17667967; PubMed 19454582; PubMed 23282968; PubMed 24758179.